The following is an entry in ClinVar:

NM_213599.3(ANO5):c.1665T>A (p.Ser555Arg)

Gene: ANO5 (anoctamin 5; plus strand). Cytogenetic location: 11p14.3.
Variant type: single nucleotide variant.
Coding change: c.1665T>A on transcript NM_213599.3 (MANE Select); coding-DNA position 1665, T replaced by A.
Protein change: p.Ser555Arg; replaces serine 555 with arginine.
Molecular consequence: missense variant.
Genome position (GRCh38, 1-based): chr11:22,262,163, T>A. VCF-style: chr11-22262163-T-A. GRCh37 (hg19) VCF-style: chr11-22283709-T-A.
Other names: c.1662T>A, p.Ser554Arg (NM_001142649.2); short protein forms S555R, S554R.
Identifiers: ClinVar variation 468833 (VCV000468833.11), dbSNP rs1554931739, ClinGen allele CA379922545.

ClinVar aggregate classification (germline): Uncertain significance (1 of 4 stars; one submission).

Conditions:
Autosomal recessive limb-girdle muscular dystrophy type 2L (LGMDR12). Also called: Limb-Girdle Muscular Dystrophy R12 Anoctamin-5-Related (LGMD-R12); Limb-girdle muscular dystrophy, type 2L; MUSCULAR DYSTROPHY, LIMB-GIRDLE, AUTOSOMAL RECESSIVE 12. Identifiers: Orphanet 206549, MedGen C1969785, MONDO:0012652, OMIM 611307.
Gnathodiaphyseal dysplasia (GDD). Also called: GNATHODIAPHYSEAL SCLEROSIS; OSTEOGENESIS IMPERFECTA WITH UNUSUAL SKELETAL LESIONS. Identifiers: Orphanet 53697, MedGen C1833736, MONDO:0008151, OMIM 166260.

Submission:

Labcorp Genetics (formerly Invitae), Labcorp
Classification: Uncertain significance for Autosomal recessive limb-girdle muscular dystrophy type 2L; Gnathodiaphyseal dysplasia. Last evaluated: 2019-07-19. Review status: criteria provided, single submitter. Criteria: Invitae Variant Classification Sherloc (09022015). Collection method: clinical testing. Allele origin: germline.
Comment: This sequence change replaces serine with arginine at codon 555 of the ANO5 protein (p.Ser555Arg). The serine residue is moderately conserved and there is a moderate physicochemical difference between serine and arginine. This variant is not present in population databases (ExAC no frequency) and has not been reported in the literature in individuals with an ANO5-related disease. Algorithms developed to predict the effect of missense changes on protein structure and function output the following: SIFT: "Tolerated"; PolyPhen-2: "Probably Damaging"; Align-GVGD: "Class C0". The arginine amino acid residue is found in multiple mammalian species, suggesting that this missense change does not adversely affect protein function. These predictions have not been confirmed by published functional studies. In summary, this variant is a novel missense change that is not predicted to affect protein function. There is no indication that it causes disease, but the available evidence is currently insufficient to prove that conclusively. Therefore, it has been classified as a Variant of Uncertain Significance.